The following is an entry in ClinVar:

NM_015909.4(NBAS):c.2482G>C (p.Glu828Gln)

Gene: NBAS (NBAS subunit of NRZ tethering complex; minus strand). Cytogenetic location: 2p24.3.
Variant type: single nucleotide variant.
Coding change: c.2482G>C on transcript NM_015909.4 (MANE Select); coding-DNA position 2482, G replaced by C.
Protein change: p.Glu828Gln; replaces glutamic acid 828 with glutamine.
Molecular consequence: missense variant. On other transcripts: non-coding transcript variant (1).
Genome position (GRCh38, 1-based): chr2:15,424,410, C>G on the plus strand (G>C on the coding strand, the complement: NBAS is on the minus strand). VCF-style: chr2-15424410-C-G. GRCh37 (hg19) VCF-style: chr2-15564534-C-G.
Other names: short protein forms E828Q.
Identifiers: ClinVar variation 2574217 (VCV002574217.1), dbSNP rs1677363996, ClinGen allele CA345890036.

ClinVar aggregate classification (germline): Uncertain significance (1 of 4 stars; one submission).

Submission:

GeneDx
Classification: Uncertain significance. Last evaluated: 2023-01-31. Review status: criteria provided, single submitter. Criteria: GeneDx Variant Classification Process June 2021. Collection method: clinical testing. Allele origin: germline. Affected: yes.
Comment: Not observed at significant frequency in large population cohorts (gnomAD); In silico analysis supports that this missense variant does not alter protein structure/function; Has not been previously published as pathogenic or benign to our knowledge